The following is an entry in ClinVar:

ClinVar aggregate classification (germline): Benign. Review status: criteria provided, multiple submitters, no conflicts (2 of 4 stars). 6 submissions from 6 submitters: Benign (4). 2 of the submissions do not count toward it. Last evaluated 2026-02-02.

Conditions:
Methylcobalamin deficiency type cblG (HMAG). Also called: HOMOCYSTINURIA-MEGALOBLASTIC ANEMIA, cblG TYPE; Functional methionine synthase deficiency type cblG; HOMOCYSTINURIA-MEGALOBLASTIC ANEMIA DUE TO DEFECT IN COBALAMIN METABOLISM, cblG COMPLEMENTATION TYPE; HOMOCYSTINURIA-MEGALOBLASTIC ANEMIA, cblG COMPLEMENTATION TYPE. Identifiers: Orphanet 2170, Orphanet 622, MedGen C1855128, MONDO:0009609, OMIM 250940.

Allele frequency attached by ClinVar (database versions not stated): gnomAD exomes 0.00128; ExAC 0.00163; gnomAD 0.00456 and 0.00483; TOPMed 0.00516; ESP Exome Variant Server 0.00546; 1000 Genomes Project 30x 0.00656; 1000 Genomes Project 0.00659.
gnomAD v4.1: 1,359 of 1,583,150 alleles (0.086%); highest among the groups gnomAD compares: African/African-American, 1.6%; 10 homozygotes.

Submissions (6):

Labcorp Genetics (formerly Invitae), Labcorp
Classification: Benign for Methylcobalamin deficiency type cblG. Last evaluated: 2026-02-02. Review status: criteria provided, single submitter. Criteria: Invitae Variant Classification Sherloc (09022015). Collection method: clinical testing. Allele origin: germline.

ARUP Laboratories, Molecular Genetics and Genomics, ARUP Laboratories
Classification: Benign. Last evaluated: 2023-10-20. Review status: criteria provided, single submitter. Criteria: ARUP Molecular Germline Variant Investigation Process 2024. Collection method: clinical testing. Allele origin: germline.

GeneDx
Classification: Benign. Last evaluated: 2016-08-09. Review status: criteria provided, single submitter. Criteria: GeneDx Variant Classification (06012015). Collection method: clinical testing. Allele origin: germline. Affected: yes.
Comment: This variant is considered likely benign or benign based on one or more of the following criteria: it is a conservative change, it occurs at a poorly conserved position in the protein, it is predicted to be benign by multiple in silico algorithms, and/or has population frequency not consistent with disease.

Breakthrough Genomics
Classification: Benign. Review status: criteria provided, single submitter. Criteria: ACMG Guidelines, 2015. Collection method: not provided. Allele origin: germline. Inheritance: Autosomal recessive inheritance. Affected: yes.

Clinical Genetics, Academic Medical Center
Classification: Benign. Review status: no assertion criteria provided. Collection method: clinical testing. Allele origin: germline. Affected: yes. Study: VKGL Data-share Consensus. Not counted in ClinVar's aggregate classification.

Genome Diagnostics Laboratory, University Medical Center Utrecht
Classification: Likely benign. Review status: no assertion criteria provided. Collection method: clinical testing. Allele origin: germline. Affected: yes. Study: VKGL Data-share Consensus. Not counted in ClinVar's aggregate classification.

NM_000254.3(MTR):c.3599-18C>T

Gene: MTR (5-methyltetrahydrofolate-homocysteine methyltransferase; plus strand). Cytogenetic location: 1q43.
Variant type: single nucleotide variant.
Coding change: c.3599-18C>T on transcript NM_000254.3 (MANE Select); 18 bases into the intron before coding-DNA position 3599, C replaced by T.
Molecular consequence: intron variant.
Genome position (GRCh38, 1-based): chr1:236,896,988, C>T. VCF-style: chr1-236896988-C-T. GRCh37 (hg19) VCF-style: chr1-237060288-C-T.
Other names: c.3446-18C>T (NM_001291939.1); c.2378-18C>T (NM_001291940.2).
Identifiers: ClinVar variation 380095 (VCV000380095.13), dbSNP rs116444161, ClinGen allele CA1474750.
Genomic context (GRCh38, chr1:236,896,988, plus strand): 5'-TCATTGAGTGCCTGCTAGCTGCAGGCCCTGTGCTAGACACTGAGTCCATAAGCATTTTCC[C>T]TGTGTTGCTCCCTCTAGGCATTAGGTTAACAGAATCATTAGCAATGGCACCTGCTTCAGC-3'